The following is an entry in ClinVar:

NM_006059.4(LAMC3):c.262G>A (p.Ala88Thr)

Gene: LAMC3 (laminin subunit gamma 3; plus strand). Cytogenetic location: 9q34.12.
Variant type: single nucleotide variant.
Coding change: c.262G>A on transcript NM_006059.4 (MANE Select); coding-DNA position 262, G replaced by A.
Protein change: p.Ala88Thr; replaces alanine 88 with threonine.
Molecular consequence: missense variant.
Genome position (GRCh38, 1-based): chr9:131,009,476, G>A. VCF-style: chr9-131009476-G-A. GRCh37 (hg19) VCF-style: chr9-133884863-G-A.
Other names: short protein forms A88T.
Identifiers: ClinVar variation 1476719 (VCV001476719.8), dbSNP rs2133193694, ClinGen allele CA375250723.
Genomic context (GRCh38, chr9:131,009,476, plus strand): 5'-GCGGGCGCGGGGGCTCATTGCCAGCGCTGCGACGCCGCCGACCCCCAGCGCCACCACAAC[G>A]CCTCCTACCTCACCGACTTCCACAGCCAGGACGAGAGCACCTGGTGGCAGAGCCCGTCCA-3'
Protein context (NP_006050.3, residues 78-98): DAADPQRHHN[Ala88Thr]SYLTDFHSQD

ClinVar aggregate classification (germline): Uncertain significance (1 of 4 stars; one submission).

Submission:

Labcorp Genetics (formerly Invitae), Labcorp
Classification: Uncertain significance. Last evaluated: 2021-12-02. Review status: criteria provided, single submitter. Criteria: Invitae Variant Classification Sherloc (09022015). Collection method: clinical testing. Allele origin: germline.
Comment: This sequence change replaces alanine, which is neutral and non-polar, with threonine, which is neutral and polar, at codon 88 of the LAMC3 protein (p.Ala88Thr). This variant is not present in population databases (gnomAD no frequency). This variant has not been reported in the literature in individuals affected with LAMC3-related conditions. Algorithms developed to predict the effect of missense changes on protein structure and function are either unavailable or do not agree on the potential impact of this missense change (SIFT: "Tolerated"; PolyPhen-2: "Probably Damaging"; Align-GVGD: "Class C0"). In summary, the available evidence is currently insufficient to determine the role of this variant in disease. Therefore, it has been classified as a Variant of Uncertain Significance.